The following is an entry in ClinVar:

NM_004260.4(RECQL4):c.926A>G (p.Gln309Arg)

Gene: RECQL4 (RecQ like helicase 4; minus strand). Cytogenetic location: 8q24.3.
Variant type: single nucleotide variant.
Coding change: c.926A>G on transcript NM_004260.4 (MANE Select); coding-DNA position 926, A replaced by G.
Protein change: p.Gln309Arg; replaces glutamine 309 with arginine.
Molecular consequence: missense variant. On other transcripts: 5 prime UTR variant (17), non-coding transcript variant (3).
Genome position (GRCh38, 1-based): chr8:144,516,193, T>C on the plus strand (A>G on the coding strand, the complement: RECQL4 is on the minus strand). VCF-style: chr8-144516193-T-C. GRCh37 (hg19) VCF-style: chr8-145741577-T-C.
Other names: c.926A>G (NM_004260.3); c.926A>G, p.Gln309Arg (NM_001413017.1, NM_001413018.1, NM_001413019.1 and 4 more transcripts); c.-146A>G (NM_001413021.1, NM_001413022.1, NM_001413023.1 and 7 more transcripts); c.797A>G, p.Gln266Arg (NM_001413025.1); c.-208A>G (NM_001413027.1, NM_001413030.1, NM_001413031.1 and 2 more transcripts); c.575A>G, p.Gln192Arg (NM_001413029.1); c.-50A>G (NM_001413034.1); c.-415A>G (NM_001413043.1); short protein forms Q266R, Q309R, Q192R.
Identifiers: ClinVar variation 2889536 (VCV002889536.4), dbSNP rs2130719699, ClinGen allele CA372688648.
Genomic context (GRCh38, chr8:144,516,193, plus strand): 5'-CTAGCTTGACTGGAGGGGCTGAGTCCGTGGTACCTGGGGTTCGATGGGCTGCTGCAGGGC[T>C]GAGGTGGCTGTGCCTGTACAGGTTCCCCTGGAGGGTCTTCCTCAACTGCTACAGCCCCAG-3'
Protein context (NP_004251.4, residues 299-319): PGEPVQAQPP[Gln309Arg]PCSSPSNPRY

ClinVar aggregate classification (germline): Uncertain significance. Review status: criteria provided, multiple submitters, no conflicts (2 of 4 stars). 2 submissions from 2 submitters: Uncertain significance (2). Last evaluated 2025-05-16.

Conditions:
Baller-Gerold syndrome (BGS). Also called: CRANIOSYNOSTOSIS WITH RADIAL DEFECTS. Identifiers: Orphanet 1225, MedGen C0265308, MONDO:0009039, OMIM 218600.
Inborn genetic diseases. Identifiers: MedGen C0950123, MeSH D030342.

gnomAD v4.1: 5 of 1,613,382 alleles (0.00031%); highest among the groups gnomAD compares: Non-Finnish European, 0.00042%; no homozygotes.

Submissions (2):

Ambry Genetics
Classification: Uncertain significance for Inborn genetic diseases. Last evaluated: 2025-05-16. Review status: criteria provided, single submitter. Criteria: Ambry Variant Classification Scheme 2023. Collection method: clinical testing. Allele origin: germline.
Comment: The p.Q309R variant (also known as c.926A>G), located in coding exon 5 of the RECQL4 gene, results from an A to G substitution at nucleotide position 926. The glutamine at codon 309 is replaced by arginine, an amino acid with highly similar properties. This amino acid position is conserved. In addition, this alteration is predicted to be tolerated by in silico analysis. Based on the available evidence, the clinical significance of this variant remains unclear.

Labcorp Genetics (formerly Invitae), Labcorp
Classification: Uncertain significance for Baller-Gerold syndrome. Last evaluated: 2023-05-11. Review status: criteria provided, single submitter. Criteria: Invitae Variant Classification Sherloc (09022015). Collection method: clinical testing. Allele origin: germline.
Comment: This sequence change replaces glutamine, which is neutral and polar, with arginine, which is basic and polar, at codon 309 of the RECQL4 protein (p.Gln309Arg). In summary, the available evidence is currently insufficient to determine the role of this variant in disease. Therefore, it has been classified as a Variant of Uncertain Significance. Advanced modeling of protein sequence and biophysical properties (such as structural, functional, and spatial information, amino acid conservation, physicochemical variation, residue mobility, and thermodynamic stability) performed at Invitae indicates that this missense variant is not expected to disrupt RECQL4 protein function. This variant has not been reported in the literature in individuals affected with RECQL4-related conditions. This variant is not present in population databases (gnomAD no frequency).